The following is an entry in ClinVar:

NM_006158.5(NEFL):c.1097C>T (p.Ala366Val)

Genes: NEFL (neurofilament light chain; minus strand), LOC126860330 (BRD4-independent group 4 enhancer GRCh37_chr8:24811677-24812876; plus strand). Cytogenetic location: 8p21.2.
Variant type: single nucleotide variant.
Coding change: c.1097C>T on transcript NM_006158.5 (MANE Select); coding-DNA position 1097, C replaced by T.
Protein change: p.Ala366Val; replaces alanine 366 with valine.
Molecular consequence: missense variant.
Genome position (GRCh38, 1-based): chr8:24,954,253, G>A on the plus strand (C>T on the coding strand, the complement: NEFL is on the minus strand). VCF-style: chr8-24954253-G-A. GRCh37 (hg19) VCF-style: chr8-24811767-G-A.
Other names: short protein forms A366V.
Identifiers: ClinVar variation 2732508 (VCV002732508.3), dbSNP rs1803010959, ClinGen allele CA370620921.

ClinVar aggregate classification (germline): Uncertain significance (1 of 4 stars; one submission).

Conditions:
Charcot-Marie-Tooth disease type 2E (CMT2E). Also called: CHARCOT-MARIE-TOOTH DISEASE, AXONAL, TYPE 2E; CHARCOT-MARIE-TOOTH NEUROPATHY, TYPE 2E. Identifiers: Orphanet 99939, MedGen C1843225, MONDO:0011894, OMIM 607684.

Allele frequency attached by ClinVar (database versions not stated): gnomAD exomes below 0.00001; TOPMed below 0.00001; gnomAD 0.00001.

Submission:

Labcorp Genetics (formerly Invitae), Labcorp
Classification: Uncertain significance for Charcot-Marie-Tooth disease type 2E. Last evaluated: 2023-06-02. Review status: criteria provided, single submitter. Criteria: Invitae Variant Classification Sherloc (09022015). Collection method: clinical testing. Allele origin: germline.
Comment: This sequence change replaces alanine, which is neutral and non-polar, with valine, which is neutral and non-polar, at codon 366 of the NEFL protein (p.Ala366Val). This variant is not present in population databases (gnomAD no frequency). This variant has not been reported in the literature in individuals affected with NEFL-related conditions. Advanced modeling of protein sequence and biophysical properties (such as structural, functional, and spatial information, amino acid conservation, physicochemical variation, residue mobility, and thermodynamic stability) has been performed at Invitae for this missense variant, however the output from this modeling did not meet the statistical confidence thresholds required to predict the impact of this variant on NEFL protein function. Algorithms developed to predict the effect of sequence changes on RNA splicing suggest that this variant may create or strengthen a splice site. In summary, the available evidence is currently insufficient to determine the role of this variant in disease. Therefore, it has been classified as a Variant of Uncertain Significance.